The following is an entry in ClinVar:

ClinVar aggregate classification (germline): Uncertain significance (1 of 4 stars; one submission).

Allele frequency attached by ClinVar (database versions not stated): gnomAD exomes below 0.00001.
gnomAD v4.1: 1 of 1,607,612 alleles (0.000062%); highest among the groups gnomAD compares: Non-Finnish European, 0.000085%; no homozygotes.

Submission:

Labcorp Genetics (formerly Invitae), Labcorp
Classification: Uncertain significance. Last evaluated: 2023-04-05. Review status: criteria provided, single submitter. Criteria: Invitae Variant Classification Sherloc (09022015). Collection method: clinical testing. Allele origin: germline.
Comment: In summary, the available evidence is currently insufficient to determine the role of this variant in disease. Therefore, it has been classified as a Variant of Uncertain Significance. This sequence change replaces isoleucine, which is neutral and non-polar, with threonine, which is neutral and polar, at codon 624 of the NSD1 protein (p.Ile624Thr). This variant is not present in population databases (gnomAD no frequency). This variant has not been reported in the literature in individuals affected with NSD1-related conditions. ClinVar contains an entry for this variant (Variation ID: 2148194). Advanced modeling of protein sequence and biophysical properties (such as structural, functional, and spatial information, amino acid conservation, physicochemical variation, residue mobility, and thermodynamic stability) performed at Invitae indicates that this missense variant is not expected to disrupt NSD1 protein function.

NM_022455.5(NSD1):c.1871T>C (p.Ile624Thr)

Gene: NSD1 (nuclear receptor binding SET domain protein 1; plus strand). Cytogenetic location: 5q35.3.
Variant type: single nucleotide variant.
Coding change: c.1871T>C on transcript NM_022455.5 (MANE Select); coding-DNA position 1871, T replaced by C.
Protein change: p.Ile624Thr; replaces isoleucine 624 with threonine.
Molecular consequence: missense variant.
Genome position (GRCh38, 1-based): chr5:177,210,270, T>C. VCF-style: chr5-177210270-T-C. GRCh37 (hg19) VCF-style: chr5-176637271-T-C.
Other names: c.998T>C, p.Ile333Thr (NM_001365684.2, NM_001409306.1, NM_001409307.1 and 3 more transcripts); c.1871T>C, p.Ile624Thr (NM_001409301.1, NM_001409302.1, NM_001409303.1); c.1451T>C, p.Ile484Thr (NM_001409304.1); c.1118T>C, p.Ile373Thr (NM_001409305.1); short protein forms I373T, I484T, I624T, I333T, I355T.
Identifiers: ClinVar variation 2148194 (VCV002148194.4), dbSNP rs2480448524, ClinGen allele CA362311885.